The following is an entry in ClinVar:

NM_007294.4(BRCA1):c.209A>C (p.Lys70Thr)

Gene: BRCA1 (BRCA1 DNA repair associated; minus strand). Cytogenetic location: 17q21.31.
Variant type: single nucleotide variant.
Coding change: c.209A>C on transcript NM_007294.4 (MANE Select); coding-DNA position 209, A replaced by C.
Protein change: p.Lys70Thr; replaces lysine 70 with threonine.
Molecular consequence: missense variant.
Genome position (GRCh38, 1-based): chr17:43,106,459, T>G on the plus strand (A>C on the coding strand, the complement: BRCA1 is on the minus strand). VCF-style: chr17-43106459-T-G. GRCh37 (hg19) VCF-style: chr17-41258476-T-G.
Other names: c.209A>C, p.Lys70Thr (NM_001407581.1, NM_001407582.1, NM_001407583.1 and 168 more transcripts); c.68A>C, p.Lys23Thr (NM_001407692.1, NM_001407694.1, NM_001407695.1 and 99 more transcripts); short protein forms K23T, K70T.
Identifiers: ClinVar variation 868788 (VCV000868788.3), dbSNP rs2054770216, ClinGen allele CA10601751.

Conditions:
Breast-ovarian cancer, familial, susceptibility to, 1 (BROVCA1). Also called: BRCA1 Hereditary Breast and Ovarian Cancer; OVARIAN CANCER, SUSCEPTIBILITY TO. Identifiers: Orphanet 145, MedGen C2676676, MONDO:0011450, OMIM 604370. Disease mechanism: loss of function.

Submission:

Brotman Baty Institute, University of Washington
No classification provided (evidence only). Condition: Breast-ovarian cancer, familial 1. Review status: no classification provided. Collection method: in vitro. Allele origin: not applicable. Functional consequence: functionally_normal.
ClinVar note: "not provided" was previously submitted as the classification for the variant. However, the classification appeared to be based only on an observation of functional data so it was converted to no classification on 2025-07-30.